The following is an entry in ClinVar:

NM_002470.4(MYH3):c.697A>T (p.Asn233Tyr)

Gene: MYH3 (myosin heavy chain 3; minus strand). Cytogenetic location: 17p13.1.
Variant type: single nucleotide variant.
Coding change: c.697A>T on transcript NM_002470.4 (MANE Select); coding-DNA position 697, A replaced by T.
Protein change: p.Asn233Tyr; replaces asparagine 233 with tyrosine.
Molecular consequence: missense variant.
Genome position (GRCh38, 1-based): chr17:10,648,595, T>A on the plus strand (A>T on the coding strand, the complement: MYH3 is on the minus strand). VCF-style: chr17-10648595-T-A. GRCh37 (hg19) VCF-style: chr17-10551912-T-A.
Other names: short protein forms N233Y.
Identifiers: ClinVar variation 4291957 (VCV004291957.1).

ClinVar aggregate classification (germline): Uncertain significance (1 of 4 stars; one submission).

Conditions:
Freeman-Sheldon syndrome (DA2A). Also called: Arthrogryposis, distal, type 2A (Freeman-Sheldon); CRANIOCARPOTARSAL DYSPLASIA; CRANIOCARPOTARSAL DYSTROPHY; WHISTLING FACE-WINDMILL VANE HAND SYNDROME. Identifiers: Orphanet 2053, MedGen C0265224, MONDO:0008675, OMIM 193700.

Submission:

3billion
Classification: Uncertain significance for Freeman-Sheldon syndrome. Last evaluated: 2024-10-18. Review status: criteria provided, single submitter. Criteria: ACMG Guidelines, 2015. Collection method: clinical testing. Allele origin: germline. Affected: yes.
Comment: The variant is not observed in the gnomAD v4.1.0 dataset. Predicted Consequence/Location: Missense variant In silico tool predictions suggest damaging effect of the variant on gene or gene product [REVEL: 0.87 (>=0.6, sensitivity 0.68 and specificity 0.92); 3Cnet: 0.68 (>=0.6, sensitivity 0.72 and precision 0.9)]. Therefore, this variant is classified as VUS according to the recommendation of ACMG/AMP guideline.